The following is an entry in ClinVar:

ClinVar aggregate classification (germline): Benign/Likely benign. Review status: criteria provided, multiple submitters, no conflicts (2 of 4 stars). 18 submissions from 18 submitters: Benign (10); Likely benign (4). 4 of the submissions do not count toward it. Last evaluated 2026-04-01.

Conditions:
Inborn genetic diseases. Identifiers: MedGen C0950123, MeSH D030342.
Hypogonadotropic hypogonadism 5 with or without anosmia (KAL5). Also called: CHD7-Related GnRH Deficiency (Kallmann Syndrome 5); HYPOGONADOTROPIC HYPOGONADISM 5 WITH ANOSMIA; HYPOGONADOTROPHIC HYPOGONADISM 5 WITHOUT ANOSMIA. Identifiers: Orphanet 478, MedGen C3552553, MONDO:0012880, OMIM 612370. Disease mechanism: loss of function.
CHARGE syndrome (CHARGE). Also called: Hittner Hirsch Kreh syndrome; Coloboma, heart anomaly, choanal atresia, retardation, genital and ear anomalies; CHARGE association; Hall-Hittner syndrome; CHARGE ASSOCIATION--COLOBOMA, HEART ANOMALY, CHOANAL ATRESIA, RETARDATION, GENITAL AND EAR ANOMALIES. Identifiers: Orphanet 138, MedGen C0265354, MONDO:0008965.

Allele frequency attached by ClinVar (database versions not stated): gnomAD exomes 0.00393 and 0.00465; ExAC 0.00639; 1000 Genomes Project 30x 0.00031; gnomAD 0.00358 and 0.00341; 1000 Genomes Project 0.00040; TOPMed 0.00262; ESP Exome Variant Server 0.00364.
gnomAD v4.1: 7,201 of 1,610,460 alleles (0.45%); highest among the groups gnomAD compares: Non-Finnish European, 0.54%; 28 homozygotes.

Submissions (18):

CeGaT Center for Human Genetics Tuebingen
Classification: Benign. Last evaluated: 2026-04-01. Review status: criteria provided, single submitter. Criteria: CeGaT Center For Human Genetics Tuebingen Variant Classification Criteria Version 2. Collection method: clinical testing. Allele origin: germline. Affected: yes. Observed: 18 variant alleles.
Comment: CHD7: BP4, BS1, BS2

Labcorp Genetics (formerly Invitae), Labcorp
Classification: Benign for CHARGE syndrome. Last evaluated: 2026-02-03. Review status: criteria provided, single submitter. Criteria: Invitae Variant Classification Sherloc (09022015). Collection method: clinical testing. Allele origin: germline.

Mayo Clinic Laboratories, Mayo Clinic
Classification: Benign. Last evaluated: 2025-02-11. Review status: criteria provided, single submitter. Criteria: ACMG Guidelines, 2015. Collection method: clinical testing. Allele origin: germline. Observed: 4 variant alleles.
Comment: BS1, BS2, BP4

Blueprint Genetics
Classification: Benign. Last evaluated: 2024-11-21. Review status: criteria provided, single submitter. Criteria: ACMG Guidelines, 2015. Collection method: clinical testing. Allele origin: germline.

Women's Health and Genetics/Laboratory Corporation of America, LabCorp
Classification: Likely benign. Last evaluated: 2023-01-30. Review status: criteria provided, single submitter. Criteria: LabCorp Variant Classification Summary - May 2015. Collection method: clinical testing. Allele origin: germline.

Genetic Services Laboratory, University of Chicago
Classification: Likely benign. Last evaluated: 2020-09-16. Review status: criteria provided, single submitter. Criteria: ACMG Guidelines, 2015. Collection method: clinical testing. Allele origin: germline. Affected: no.

Ambry Genetics
Classification: Benign for Inborn genetic diseases. Last evaluated: 2019-08-30. Review status: criteria provided, single submitter. Criteria: Ambry Variant Classification Scheme 2023. Collection method: clinical testing. Allele origin: germline.

Laboratory for Molecular Medicine, Mass General Brigham Personalized Medicine
Classification: Benign. Last evaluated: 2017-08-23. Review status: criteria provided, single submitter. Criteria: LMM Criteria. Collection method: clinical testing. Allele origin: germline. Observed: 2 variant alleles.
Comment: p.Leu2984Phe in exon 38 of CHD7: This variant is not expected to have clinical s ignificance because it has been identified in 1.44% (73/5066) of Finnish chromos omes by the Exome Aggregation Consortium (ExAC; dbSNP rs184814820).

Illumina Laboratory Services, Illumina
Classification: Likely benign for Kallmann Syndrome 5. Last evaluated: 2017-04-27. Review status: criteria provided, single submitter. Criteria: ICSL Variant Classification Criteria 13 December 2019. Collection method: clinical testing. Allele origin: germline.
Comment: This variant was observed as part of a predisposition screen in an ostensibly healthy population. A literature search was performed for the gene, cDNA change, and amino acid change (where applicable). Publications were found based on this search. The evidence from the literature, in combination with allele frequency data from public databases where available, was sufficient to determine this variant is unlikely to cause disease. Therefore, this variant is classified as likely benign.

Center for Pediatric Genomic Medicine, Children's Mercy Hospital and Clinics
Classification: Benign. Last evaluated: 2017-03-31. Review status: criteria provided, single submitter. Criteria: ACMG Guidelines, 2015. Collection method: clinical testing. Allele origin: germline.

Genomic Diagnostic Laboratory, Division of Genomic Diagnostics, Children's Hospital of Philadelphia
Classification: Benign for CHARGE syndrome. Last evaluated: 2016-09-05. Review status: criteria provided, single submitter. Criteria: DGD Variant Analysis Guidelines. Collection method: clinical testing. Allele origin: germline. Affected: yes. Observed: 1 variant allele.
Comment: Clinical Testing

GeneDx
Classification: Benign. Last evaluated: 2016-02-12. Review status: criteria provided, single submitter. Criteria: GeneDx Variant Classification (06012015). Collection method: clinical testing. Allele origin: germline. Affected: yes.
Comment: This variant is considered likely benign or benign based on one or more of the following criteria: it is a conservative change, it occurs at a poorly conserved position in the protein, it is predicted to be benign by multiple in silico algorithms, and/or has population frequency not consistent with disease.

Eurofins Ntd Llc (ga)
Classification: Benign. Last evaluated: 2013-07-10. Review status: criteria provided, single submitter. Criteria: EGL Classification Definitions 2015. Collection method: clinical testing. Allele origin: germline. Observed: 1 variant allele, 1 heterozygote.

Breakthrough Genomics
Classification: Likely benign. Review status: criteria provided, single submitter. Criteria: ACMG Guidelines, 2015. Collection method: not provided. Allele origin: germline. Inheritance: Autosomal dominant inheritance. Affected: yes.

Clinical Genetics DNA and cytogenetics Diagnostics Lab, Erasmus MC, Erasmus Medical Center
Classification: Benign. Review status: no assertion criteria provided. Collection method: clinical testing. Allele origin: germline. Affected: yes. Study: VKGL Data-share Consensus. Not counted in ClinVar's aggregate classification.

Clinical Genetics, Academic Medical Center
Classification: Benign. Review status: no assertion criteria provided. Collection method: clinical testing. Allele origin: germline. Affected: yes. Study: VKGL Data-share Consensus. Not counted in ClinVar's aggregate classification.

Genome Diagnostics Laboratory, University Medical Center Utrecht
Classification: Benign. Review status: no assertion criteria provided. Collection method: clinical testing. Allele origin: germline. Affected: yes. Study: VKGL Data-share Consensus. Not counted in ClinVar's aggregate classification.

Laboratory of Diagnostic Genome Analysis, Leiden University Medical Center (LUMC)
Classification: Likely benign. Review status: no assertion criteria provided. Collection method: clinical testing. Allele origin: germline. Affected: yes. Study: VKGL Data-share Consensus. Not counted in ClinVar's aggregate classification.

Literature cited by the submitters: PubMed 32870266 (cited by Mayo Clinic Laboratories, Mayo Clinic); PubMed 36531499 (cited by Mayo Clinic Laboratories, Mayo Clinic); PubMed 21158681 (cited by Illumina Laboratory Services, Illumina).

NM_017780.4(CHD7):c.8950C>T (p.Leu2984Phe)

Gene: CHD7 (chromodomain helicase DNA binding protein 7; plus strand). Cytogenetic location: 8q12.2.
Variant type: single nucleotide variant.
Coding change: c.8950C>T on transcript NM_017780.4 (MANE Select); coding-DNA position 8950, C replaced by T.
Protein change: p.Leu2984Phe; replaces leucine 2984 with phenylalanine.
Molecular consequence: missense variant.
Genome position (GRCh38, 1-based): chr8:60,865,889, C>T. VCF-style: chr8-60865889-C-T. GRCh37 (hg19) VCF-style: chr8-61778448-C-T.
Other names: c.2803C>T, p.Leu935Phe (NM_001316690.1); c.8950C>T, p.Leu2984Phe (LRG_176t1); short protein forms L2984F, L935F.
Identifiers: ClinVar variation 95816 (VCV000095816.95), dbSNP rs184814820, ClinGen allele CA148894.